The following is an entry in ClinVar:

ClinVar aggregate classification (germline): Uncertain significance. Review status: criteria provided, multiple submitters, no conflicts (2 of 4 stars). 2 submissions from 2 submitters: Uncertain significance (2). Last evaluated 2025-02-20.

Conditions:
SEMA3G-related disorder. Also called: SEMA3G-related condition.

gnomAD v4.1: 13 of 1,613,542 alleles (0.00081%); highest among the groups gnomAD compares: Middle Eastern, 0.016%; 1 homozygote.

Submissions (2):

PreventionGenetics, part of Exact Sciences
Classification: Uncertain significance for SEMA3G-related condition. Last evaluated: 2025-02-20. Review status: criteria provided, single submitter. Criteria: ACMG Guidelines, 2015. Collection method: clinical testing. Allele origin: germline.
Comment: The SEMA3G c.1256G>A variant is predicted to result in the amino acid substitution p.Arg419Gln. To our knowledge, this variant has not been reported in the literature. This variant is reported in 0.0029% of alleles in individuals of Latino descent in gnomAD. At this time, the clinical significance of this variant is uncertain due to the absence of conclusive functional and genetic evidence.

Ambry Genetics
Classification: Uncertain significance. Last evaluated: 2024-05-26. Review status: criteria provided, single submitter. Criteria: Ambry Variant Classification Scheme 2023. Collection method: clinical testing. Allele origin: germline.

NM_020163.3(SEMA3G):c.1256G>A (p.Arg419Gln)

Gene: SEMA3G (semaphorin 3G; minus strand). Cytogenetic location: 3p21.1.
Variant type: single nucleotide variant.
Coding change: c.1256G>A on transcript NM_020163.3 (MANE Select); coding-DNA position 1256, G replaced by A.
Protein change: p.Arg419Gln; replaces arginine 419 with glutamine.
Molecular consequence: missense variant.
Genome position (GRCh38, 1-based): chr3:52,439,986, C>T on the plus strand (G>A on the coding strand, the complement: SEMA3G is on the minus strand). VCF-style: chr3-52439986-C-T. GRCh37 (hg19) VCF-style: chr3-52474002-C-T.
Other names: c.1256G>A (NM_020163.2); short protein forms R419Q.
Identifiers: ClinVar variation 3317302 (VCV003317302.3).